The following is an entry in ClinVar:

NM_000545.8(HNF1A):c.722_725dup (p.Ile242fs)

Gene: HNF1A (HNF1 homeobox A; plus strand). Cytogenetic location: 12q24.31.
Variant type: Duplication.
Coding change: c.722_725dup on transcript NM_000545.8 (MANE Select); coding-DNA positions 722 to 725, 4 bases duplicated (GCAT; older notation c.722_725dupGCAT).
Protein change: p.Ile242fs; shifts the reading frame from isoleucine 242.
Molecular consequence: frameshift variant.
Genome position (GRCh38, 1-based): chr12:120,994,172-120,994,175, GCAT duplicated; duplicating any 4 consecutive bases within chr12:120,994,170-120,994,175 gives the same sequence; the c. name uses the placement nearest the transcript's 3' end. VCF-style (leftmost placement, unchanged base first): chr12-120994169-A-AATGC. GRCh37 (hg19) VCF-style: chr12-121431972-A-AATGC.
Other names: NM_000545.8(HNF1A):c.722_725dup; p.Ile242fs; c.722_725dupGCAT (NM_000545.5); c.722_725dup, p.Ile242fs (NM_001306179.2); short protein forms I242fs.
Identifiers: ClinVar variation 452526 (VCV000452526.11), dbSNP rs1555211975, ClinGen allele CA658658177.

ClinVar aggregate classification (germline): Likely pathogenic. Review status: reviewed by expert panel (3 of 4 stars). 4 submissions from 4 submitters: Likely pathogenic (1). 3 of the submissions do not count toward it. Last evaluated 2025-07-24.

Conditions:
Monogenic diabetes. Identifiers: Orphanet 183625, MedGen C3888631, MONDO:0015967.
Maturity-onset diabetes of the young (MODY). Also called: Maturity onset diabetes mellitus in young. Identifiers: Orphanet 552, MedGen C0342276, MONDO:0018911, HP:0004904.

Submissions (4):

ClinGen Monogenic Diabetes Variant Curation Expert Panel
Classification: Likely pathogenic for Monogenic diabetes. Last evaluated: 2025-07-24. Review status: reviewed by expert panel. Criteria: ClinGen Diabetes ACMG Specifications HNF1A V3.0.0. Collection method: curation. Allele origin: germline. Inheritance: Autosomal dominant inheritance.
Comment: The c.722_725dup variant in the HNF1 homeobox A gene, HNF1A, causes a frameshift in the protein at codon 242 of NM_000545.8, adding 76 novel amino acids before encountering a stop codon (p.Ile242MetfsTer76). This variant, located in biologically-relevant exon 4 of 10, is predicted to lead to nonsense mediated decay in a gene in which loss-of-function is an established disease mechanism (PVS1; PMID: 23348805). This variant is also absent from gnomAD v2.1.1 and v4.1.0 (PM2_Supporting). This variant was identified in an individual with diabetes; however, the MODY probability calculator cannot be used due to insufficient clinical data, so PP4 cannot be applied (internal lab contributors). In summary, c.722_725dup meets the criteria to be classified as likely pathogenic for monogenic diabetes. ACMG/AMP criteria applied, as specified by the ClinGen MDEP (specification version 3.0.0, approved 6/30/2025): PVS1, PM2_Supporting.

Labcorp Genetics (formerly Invitae), Labcorp
Classification: Pathogenic. Last evaluated: 2022-08-15. Review status: criteria provided, single submitter. Criteria: Invitae Variant Classification Sherloc (09022015). Collection method: clinical testing. Allele origin: germline. Not counted in ClinVar's aggregate classification.
Comment: For these reasons, this variant has been classified as Pathogenic. ClinVar contains an entry for this variant (Variation ID: 452526). This variant has not been reported in the literature in individuals affected with HNF1A-related conditions. This variant is not present in population databases (gnomAD no frequency). This sequence change creates a premature translational stop signal (p.Ile242Metfs*76) in the HNF1A gene. It is expected to result in an absent or disrupted protein product. Loss-of-function variants in HNF1A are known to be pathogenic (PMID: 15928245, 18003757).

GeneDx
Classification: Pathogenic. Last evaluated: 2017-10-09. Review status: criteria provided, single submitter. Criteria: GeneDx Variant Classification (06012015). Collection method: clinical testing. Allele origin: germline. Affected: yes. Not counted in ClinVar's aggregate classification.
Comment: The c.722_725dupGCAT variant in the HNF1A gene has not been reported previously as a pathogenic variant nor as a benign variant, to our knowledge. The c.722_725dupGCAT variant causes a frameshift starting with codon Isoleucine 242, changes this amino acid to a Methionine residue, and creates a premature Stop codon at position 76 of the new reading frame, denoted p.I242MfsX76. This variant is predicted to cause loss of normal protein function either through protein truncation or nonsense-mediated mRNA decay. Adequate data is not available in large population cohorts to assess the frequency of this variant in publicly available databases; however, this variant has not been detected in presumably healthy individuals tested at GeneDx (Lek et al., 2016). We interpret c.722_725dupGCAT as a pathogenic variant

Clinical Genomics, Uppaluri K&H Personalized Medicine Clinic
Classification: Likely pathogenic for Maturity-onset diabetes of the young. Review status: criteria provided, single submitter. Criteria: K & H Uppaluri Personalized Medicine Clinic Variant Classification & Assertion Criteria_Updated V.1. Collection method: research. Allele origin: unknown. Inheritance: Autosomal dominant inheritance. Not counted in ClinVar's aggregate classification.
Comment: Mutations in HNF1A gene can predispose to MODY3. It is associated with both micro and macrovascular complications of diabetes, especially cardiovascular complications. Associated with glucosuria. May respond well to sulfonylureas. However, more evidence is required to confer the association of this particular variant rs1555211975 with MODY3.

Literature cited by the submitters: PubMed 23348805 (cited by ClinGen Monogenic Diabetes Variant Curation Expert Panel); PubMed 15928245 (cited by Labcorp Genetics (formerly Invitae), Labcorp); PubMed 18003757 (cited by Labcorp Genetics (formerly Invitae), Labcorp); PubMed 31517624 (cited by Clinical Genomics, Uppaluri K&H Personalized Medicine Clinic); PubMed 32395877 (cited by Clinical Genomics, Uppaluri K&H Personalized Medicine Clinic); PubMed 35328643 (cited by Clinical Genomics, Uppaluri K&H Personalized Medicine Clinic); PubMed 35673428 (cited by Clinical Genomics, Uppaluri K&H Personalized Medicine Clinic).